The following is an entry in ClinVar:

ClinVar aggregate classification (germline): Uncertain significance (0 of 4 stars; one submission).

Submission:

Martin Pollak Laboratory,  Beth Israel Deaconess Medical Center
Classification: Uncertain significance. Review status: no assertion criteria provided. Collection method: not provided. Allele origin: unknown.
Comment: Higher UCa2+ group
ClinVar note: Converted during submission from unknown to Uncertain significance.

NM_005070.4(SLC4A3):c.146A>G (p.Asp49Gly)

Gene: SLC4A3 (solute carrier family 4 member 3; plus strand). Cytogenetic location: 2q35.
Variant type: single nucleotide variant.
Coding change: c.146A>G on transcript NM_005070.4 (MANE Select); coding-DNA position 146, A replaced by G.
Protein change: p.Asp49Gly; replaces aspartic acid 49 with glycine.
Molecular consequence: missense variant. On other transcripts: non-coding transcript variant (1).
Genome position (GRCh38, 1-based): chr2:219,628,499, A>G. VCF-style: chr2-219628499-A-G. GRCh37 (hg19) VCF-style: chr2-220493221-A-G.
Other names: c.146A>G, p.Asp49Gly (NM_001326559.2, NM_201574.3); short protein forms D49G.
Identifiers: ClinVar variation 64553 (VCV000064553.2), dbSNP rs387907529, ClinGen allele CA216391.